The following is an entry in ClinVar:

NM_032217.5(ANKRD17):c.5989C>T (p.Gln1997Ter)

Gene: ANKRD17 (ankyrin repeat domain 17; minus strand). Cytogenetic location: 4q13.3.
Variant type: single nucleotide variant.
Coding change: c.5989C>T on transcript NM_032217.5 (MANE Select); coding-DNA position 5989, C replaced by T.
Protein change: p.Gln1997Ter; replaces glutamine 1997 with a stop codon.
Molecular consequence: nonsense.
Genome position (GRCh38, 1-based): chr4:73,091,639, G>A on the plus strand (C>T on the coding strand, the complement: ANKRD17 is on the minus strand). VCF-style: chr4-73091639-G-A. GRCh37 (hg19) VCF-style: chr4-73957356-G-A.
Other names: c.5650C>T, p.Gln1884Ter (NM_001286771.3); c.5986C>T, p.Gln1996Ter (NM_015574.2); c.5236C>T, p.Gln1746Ter (NM_198889.3); short protein forms Q1746*, Q1884*, Q1996*, Q1997*.
Identifiers: ClinVar variation 4857301 (VCV004857301.1).
Genomic context (GRCh38, chr4:73,091,639, plus strand): 5'-CCGTGGTTGTGACTGTTGTTGTGGTGGCATTGGATGTCTTCACAACTGTGACAAAAAGCT[G>A]CCTTCGGACAGAAGGTGAACTTGGACTGCCATTTGTAGATGTACCAGGCACCGTTGAAGC-3'

ClinVar aggregate classification (germline): Pathogenic (1 of 4 stars; one submission).

Conditions:
Chopra-Amiel-Gordon syndrome (CAGS). Also called: ANKRD17-Related Neurodevelopmental Syndrome. Identifiers: MedGen C5561975, MONDO:0859186, OMIM 619504.

Submission:

MVZ Medizinische Genetik Mainz
Classification: Pathogenic for Chopra-Amiel-Gordon syndrome. Last evaluated: 2026-05-19. Review status: criteria provided, single submitter. Criteria: UK Practice Guidelines For Variant Classification V4 01 2020. Collection method: clinical testing. Allele origin: germline. Inheritance: Autosomal dominant inheritance. Affected: yes. Observed: 1 variant allele.
Comment: ACMG Criteria: PVS1,PS2_MOD,PM2_SUP